The following is an entry in ClinVar:

ClinVar aggregate classification (germline): Uncertain significance. Review status: criteria provided, multiple submitters, no conflicts (2 of 4 stars). 4 submissions from 4 submitters: Uncertain significance (4). Last evaluated 2025-10-13.

Conditions:
Arrhythmogenic cardiomyopathy with wooly hair and keratoderma. Also called: PALMOPLANTAR KERATODERMA WITH LEFT VENTRICULAR CARDIOMYOPATHY AND WOOLLY HAIR; Carvajal syndrome; Dilated cardiomyopathy with woolly hair and keratoderma; Arrhythmogenic cardiomyopathy with woolly hair and keratoderma. Identifiers: Orphanet 65282, MedGen C1854063, MONDO:0011581, OMIM 605676.
Arrhythmogenic right ventricular dysplasia 8 (ARVD8). Also called: Arrhythmogenic Right Ventricular Dysplasia/Cardiomyopathy 8; ARRHYTHMOGENIC RIGHT VENTRICULAR DYSPLASIA, FAMILIAL, 8; ARRHYTHMOGENIC RIGHT VENTRICULAR CARDIOMYOPATHY 8. Identifiers: MedGen C1843896, MONDO:0011831, OMIM 607450.
Cardiomyopathy (CMYO). Also called: Cardiomyopathies. Identifiers: Orphanet 167848, MedGen C0878544, MONDO:0004994, HP:0001638. Inheritance: Various modes of inheritance.
Cardiovascular phenotype. Identifiers: MedGen CN230736.

Allele frequency attached by ClinVar (database versions not stated): gnomAD exomes below 0.00001.
gnomAD v4.1: 2 of 1,614,188 alleles (0.00012%); highest among the groups gnomAD compares: Non-Finnish European, 0.00017%; no homozygotes.

Submissions (4):

Labcorp Genetics (formerly Invitae), Labcorp
Classification: Uncertain significance for Arrhythmogenic cardiomyopathy with wooly hair and keratoderma; Arrhythmogenic right ventricular dysplasia 8. Last evaluated: 2025-10-13. Review status: criteria provided, single submitter. Criteria: Invitae Variant Classification Sherloc (09022015). Collection method: clinical testing. Allele origin: germline.
Comment: This sequence change replaces lysine, which is basic and polar, with methionine, which is neutral and non-polar, at codon 812 of the DSP protein (p.Lys812Met). This variant is present in population databases (no rsID available, gnomAD 0.0009%). This variant has not been reported in the literature in individuals affected with DSP-related conditions. ClinVar contains an entry for this variant (Variation ID: 923042). An algorithm developed to predict the effect of missense changes on protein structure and function (PolyPhen-2) suggests that this variant is likely to be disruptive. In summary, the available evidence is currently insufficient to determine the role of this variant in disease. Therefore, it has been classified as a Variant of Uncertain Significance.

Ambry Genetics
Classification: Uncertain significance for Cardiovascular phenotype. Last evaluated: 2024-03-22. Review status: criteria provided, single submitter. Criteria: Ambry Variant Classification Scheme 2023. Collection method: clinical testing. Allele origin: germline.
Comment: The p.K812M variant (also known as c.2435A>T), located in coding exon 17 of the DSP gene, results from an A to T substitution at nucleotide position 2435. The lysine at codon 812 is replaced by methionine, an amino acid with similar properties. This amino acid position is conserved. In addition, the in silico prediction for this alteration is inconclusive. Based on the available evidence, the clinical significance of this alteration remains unclear.

All of Us Research Program, National Institutes of Health
Classification: Uncertain significance for Arrhythmogenic cardiomyopathy with wooly hair and keratoderma. Last evaluated: 2024-03-14. Review status: criteria provided, single submitter. Criteria: ACMG Guidelines, 2015. Collection method: clinical testing. Allele origin: germline. Inheritance: Autosomal dominant inheritance. Observed: 2 variant alleles, 2 heterozygotes.
Comment: This missense variant replaces lysine with methionine at codon 812 of the DSP protein. Computational prediction suggests that this variant may have deleterious impact on protein structure and function (internally defined REVEL score threshold >= 0.7, PMID: 27666373). To our knowledge, functional studies have not been reported for this variant. This variant has not been reported in individuals affected with DSP-related disorders in the literature. This variant has been identified in 1/251436 chromosomes in the general population by the Genome Aggregation Database (gnomAD). The available evidence is insufficient to determine the role of this variant in disease conclusively. Therefore, this variant is classified as a Variant of Uncertain Significance.

This study involves interpretation of variants in research participants for the purpose of population health screening. Participant phenotype was not available at the time of variant classification. Additional details can be found in publication PMID: 35346344, PMCID: PMC8962531

Color Diagnostics, LLC DBA Color Health
Classification: Uncertain significance for Cardiomyopathy. Last evaluated: 2024-02-07. Review status: criteria provided, single submitter. Criteria: ACMG Guidelines, 2015. Collection method: clinical testing. Allele origin: germline.
Comment: This missense variant replaces lysine with methionine at codon 812 of the DSP protein. Computational prediction suggests that this variant may have deleterious impact on protein structure and function (internally defined REVEL score threshold >= 0.7, PMID: 27666373). To our knowledge, functional studies have not been reported for this variant. This variant has not been reported in individuals affected with DSP-related disorders in the literature. This variant has been identified in 1/251436 chromosomes in the general population by the Genome Aggregation Database (gnomAD). The available evidence is insufficient to determine the role of this variant in disease conclusively. Therefore, this variant is classified as a Variant of Uncertain Significance.

NM_004415.4(DSP):c.2435A>T (p.Lys812Met)

Gene: DSP (desmoplakin; plus strand). Cytogenetic location: 6p24.3.
Variant type: single nucleotide variant.
Coding change: c.2435A>T on transcript NM_004415.4 (MANE Select); coding-DNA position 2435, A replaced by T.
Protein change: p.Lys812Met; replaces lysine 812 with methionine.
Molecular consequence: missense variant.
Genome position (GRCh38, 1-based): chr6:7,574,794, A>T. VCF-style: chr6-7574794-A-T. GRCh37 (hg19) VCF-style: chr6-7575027-A-T.
Other names: c.2435A>T, p.Lys812Met (NM_001008844.3, NM_001319034.2); short protein forms K812M.
Identifiers: ClinVar variation 923042 (VCV000923042.11), dbSNP rs1268969488, ClinGen allele CA362681315.